The following is an entry in ClinVar:

NM_006231.4(POLE):c.4759G>C (p.Val1587Leu)

Gene: POLE (DNA polymerase epsilon, catalytic subunit; minus strand). Cytogenetic location: 12q24.33.
Variant type: single nucleotide variant.
Coding change: c.4759G>C on transcript NM_006231.4 (MANE Select); coding-DNA position 4759, G replaced by C.
Protein change: p.Val1587Leu; replaces valine 1587 with leucine.
Molecular consequence: missense variant.
Genome position (GRCh38, 1-based): chr12:132,642,699, C>G on the plus strand (G>C on the coding strand, the complement: POLE is on the minus strand). VCF-style: chr12-132642699-C-G. GRCh37 (hg19) VCF-style: chr12-133219285-C-G.
Other names: c.4759G>C (NM_006231.2); short protein forms V1587L.
Identifiers: ClinVar variation 648177 (VCV000648177.11), dbSNP rs372388555, ClinGen allele CA387378490.
Genomic context (GRCh38, chr12:132,642,699, plus strand): 5'-GGAATTCCTCCAAGACAGGAATTTCACTGGCCAGCCTCTTCAGCTCCCAGCTGGACTGAA[C>G]AGCGATGAGTGTGGGCCCCCGGCGCTCCTCCTGGGTCAAGGCAAAATGGAAGAAAAGACC-3'
Protein context (NP_006222.2, residues 1577-1597): EERRGPTLIA[Val1587Leu]QSSWELKRLA

ClinVar aggregate classification (germline): Conflicting classifications of pathogenicity. Review status: criteria provided, conflicting classifications (1 of 4 stars). 2 submissions from 2 submitters: Uncertain significance (1); Likely benign (1). Last evaluated 2025-12-30.

Conditions:
Hereditary cancer-predisposing syndrome. Also called: Neoplastic Syndromes, Hereditary; Tumor predisposition; Hereditary Cancer Syndrome; Hereditary neoplastic syndrome. Identifiers: Orphanet 140162, MedGen C0027672, MeSH D009386, MONDO:0015356.

gnomAD v4.1: 2 of 1,613,692 alleles (0.00012%); highest among the groups gnomAD compares: Non-Finnish European, 0.000085%; no homozygotes.

Submissions (2):

Labcorp Genetics (formerly Invitae), Labcorp
Classification: Uncertain significance. Last evaluated: 2025-12-30. Review status: criteria provided, single submitter. Criteria: Invitae Variant Classification Sherloc (09022015). Collection method: clinical testing. Allele origin: germline.
Comment: This sequence change replaces valine, which is neutral and non-polar, with leucine, which is neutral and non-polar, at codon 1587 of the POLE protein (p.Val1587Leu). This variant is present in population databases (no rsID available, gnomAD 0.007%). This variant has not been reported in the literature in individuals affected with POLE-related conditions. ClinVar contains an entry for this variant (Variation ID: 648177). Invitae Evidence Modeling of protein sequence and biophysical properties (such as structural, functional, and spatial information, amino acid conservation, physicochemical variation, residue mobility, and thermodynamic stability) indicates that this missense variant is not expected to disrupt POLE protein function with a negative predictive value of 80%. In summary, the available evidence is currently insufficient to determine the role of this variant in disease. Therefore, it has been classified as a Variant of Uncertain Significance.

Ambry Genetics
Classification: Likely benign for Hereditary cancer-predisposing syndrome. Last evaluated: 2025-03-13. Review status: criteria provided, single submitter. Criteria: Ambry Variant Classification Scheme 2023. Collection method: clinical testing. Allele origin: germline.